The following is an entry in ClinVar:

ClinVar aggregate classification (germline): Uncertain significance. Review status: criteria provided, multiple submitters, no conflicts (2 of 4 stars). 2 submissions from 2 submitters: Uncertain significance (2). Last evaluated 2026-04-14.

Conditions:
Microcephaly 17, primary, autosomal recessive (MCPH17). Identifiers: Orphanet 2512, MedGen C4310723, MONDO:0014908, OMIM 617090.

Allele frequency attached by ClinVar (database versions not stated): 1000 Genomes Project 0.00060; 1000 Genomes Project 30x 0.00062.
gnomAD v4.1: 106 of 1,566,938 alleles (0.0068%); highest among the groups gnomAD compares: Middle Eastern, 0.14%; no homozygotes.

Submissions (2):

Dasa
Classification: Uncertain significance for Microcephaly 17, primary, autosomal recessive. Last evaluated: 2026-04-14. Review status: criteria provided, single submitter. Criteria: DASA Assertion Criteria. Collection method: clinical testing. Allele origin: germline.
Comment: NM_001206999.2(CIT):c.1121C>G (p.Pro374Arg) is a missense variant that results in the substitution of proline with arginine. This variant is rare in population databases. The currently available literature and clinical evidence are not sufficient to establish a definitive association between this variant and the reported condition. Therefore, this variant is classified as a variant of uncertain significance.

Genetic Services Laboratory, University of Chicago
Classification: Uncertain significance. Last evaluated: 2019-04-15. Review status: criteria provided, single submitter. Criteria: ACMG Guidelines, 2015. Collection method: clinical testing. Allele origin: germline. Affected: no.

NM_001206999.2(CIT):c.1121C>G (p.Pro374Arg)

Gene: CIT (citron rho-interacting serine/threonine kinase; minus strand). Cytogenetic location: 12q24.23.
Variant type: single nucleotide variant.
Coding change: c.1121C>G on transcript NM_001206999.2 (MANE Select); coding-DNA position 1121, C replaced by G.
Protein change: p.Pro374Arg; replaces proline 374 with arginine.
Molecular consequence: missense variant.
Genome position (GRCh38, 1-based): chr12:119,803,380, G>C on the plus strand (C>G on the coding strand, the complement: CIT is on the minus strand). VCF-style: chr12-119803380-G-C. GRCh37 (hg19) VCF-style: chr12-120241184-G-C.
Other names: c.1121C>G, p.Pro374Arg (NM_007174.3); short protein forms P374R.
Identifiers: ClinVar variation 1337123 (VCV001337123.6), dbSNP rs200052993, ClinGen allele CA6822181.